The following is an entry in ClinVar:

NM_080632.3(UPF3B):c.106G>A (p.Gly36Arg)

Gene: UPF3B (UPF3B regulator of nonsense mediated mRNA decay; minus strand). Cytogenetic location: Xq24.
Variant type: single nucleotide variant.
Coding change: c.106G>A on transcript NM_080632.3 (MANE Select); coding-DNA position 106, G replaced by A.
Protein change: p.Gly36Arg; replaces glycine 36 with arginine.
Molecular consequence: missense variant.
Genome position (GRCh38, 1-based): chrX:119,852,823, C>T on the plus strand (G>A on the coding strand, the complement: UPF3B is on the minus strand). VCF-style: chrX-119852823-C-T. GRCh37 (hg19) VCF-style: chrX-118986786-C-T.
Other names: c.106G>A, p.Gly36Arg (NM_023010.4); short protein forms G36R.
Identifiers: ClinVar variation 3695713 (VCV003695713.2).

ClinVar aggregate classification (germline): Uncertain significance (1 of 4 stars; one submission).

Conditions:
Intellectual developmental disorder, X-linked, syndromic 14. Also called: Syndromic X-linked intellectual disability 14. Identifiers: Orphanet 776, MedGen C1970822, MONDO:0010398, OMIM 300676.

gnomAD v4.1: 3 of 1,212,475 alleles (0.00025%); highest among the groups gnomAD compares: Non-Finnish European, 0.00033%; no homozygotes.

Submission:

Labcorp Genetics (formerly Invitae), Labcorp
Classification: Uncertain significance for Intellectual developmental disorder, X-linked, syndromic 14. Last evaluated: 2024-04-20. Review status: criteria provided, single submitter. Criteria: Invitae Variant Classification Sherloc (09022015). Collection method: clinical testing. Allele origin: germline.
Comment: This sequence change replaces glycine, which is neutral and non-polar, with arginine, which is basic and polar, at codon 36 of the UPF3B protein (p.Gly36Arg). This variant is not present in population databases (gnomAD no frequency). This variant has not been reported in the literature in individuals affected with UPF3B-related conditions. An algorithm developed to predict the effect of missense changes on protein structure and function (PolyPhen-2) suggests that this variant is likely to be disruptive. In summary, the available evidence is currently insufficient to determine the role of this variant in disease. Therefore, it has been classified as a Variant of Uncertain Significance.